The following is an entry in ClinVar:

ClinVar aggregate classification (germline): Likely pathogenic (1 of 4 stars; one submission).

Allele frequency attached by ClinVar (database versions not stated): gnomAD exomes 0.00001; gnomAD 0.00001.
gnomAD v4.1: 12 of 1,613,496 alleles (0.00074%); highest among the groups gnomAD compares: Non-Finnish European, 0.001%; no homozygotes.

Submission:

Labcorp Genetics (formerly Invitae), Labcorp
Classification: Likely pathogenic. Last evaluated: 2025-09-17. Review status: criteria provided, single submitter. Criteria: Invitae Variant Classification Sherloc (09022015). Collection method: clinical testing. Allele origin: germline.
Comment: This sequence change affects a donor splice site in intron 10 of the COL18A1 gene. It is expected to disrupt RNA splicing. Variants that disrupt the donor or acceptor splice site typically lead to a loss of protein function (PMID: 16199547), and loss-of-function variants in COL18A1 are known to be pathogenic (PMID: 12415512, 25456301). This variant is not present in population databases (gnomAD no frequency). This variant has not been reported in the literature in individuals affected with COL18A1-related conditions. ClinVar contains an entry for this variant (Variation ID: 1488339). Algorithms developed to predict the effect of sequence changes on RNA splicing suggest that this variant may disrupt the consensus splice site. In summary, the currently available evidence indicates that the variant is pathogenic, but additional data are needed to prove that conclusively. Therefore, this variant has been classified as Likely Pathogenic.

Literature cited by the submitters: PubMed 16199547; PubMed 12415512; PubMed 25456301.

NM_001379500.1(COL18A1):c.1311+2T>A

Gene: COL18A1 (collagen type XVIII alpha 1 chain; plus strand). Cytogenetic location: 21q22.3.
Variant type: single nucleotide variant.
Coding change: c.1311+2T>A on transcript NM_001379500.1 (MANE Select); the canonical splice donor site of the intron after coding-DNA position 1311, T replaced by A.
Molecular consequence: splice donor variant.
Genome position (GRCh38, 1-based): chr21:45,479,966, T>A. VCF-style: chr21-45479966-T-A. GRCh37 (hg19) VCF-style: chr21-46899880-T-A.
Other names: c.2556+2T>A (NM_130444.3); c.1851+2T>A (NM_030582.4).
Identifiers: ClinVar variation 1488339 (VCV001488339.6), dbSNP rs2035835799, ClinGen allele CA410516825.